The following is an entry in ClinVar:

ClinVar aggregate classification (germline): Uncertain significance (1 of 4 stars; one submission).

Conditions:
Limb-girdle muscular dystrophy due to POMK deficiency. Also called: MUSCULAR DYSTROPHY-DYSTROGLYCANOPATHY, LIMB-GIRDLE, POMK-RELATED; Muscular dystrophy-dystroglycanopathy (limb-girdle), type c, 12. Identifiers: Orphanet 445110, MedGen C4015184, MONDO:0014489, OMIM 616094.
Muscular dystrophy-dystroglycanopathy (congenital with brain and eye anomalies), type a, 12 (MDDGA12). Also called: WALKER-WARBURG SYNDROME OR MUSCLE-EYE-BRAIN DISEASE, POMK-RELATED. Identifiers: Orphanet 899, MedGen C3808964, MONDO:0014101, OMIM 615249.

Allele frequency attached by ClinVar (database versions not stated): gnomAD 0.00001; gnomAD exomes 0.00001 and 0.00002; TOPMed 0.00002.
gnomAD v4.1: 28 of 1,614,088 alleles (0.0017%); highest among the groups gnomAD compares: Non-Finnish European, 0.0024%; no homozygotes.

Submission:

Labcorp Genetics (formerly Invitae), Labcorp
Classification: Uncertain significance for Muscular dystrophy-dystroglycanopathy (congenital with brain and eye anomalies), type a, 12; Limb-girdle muscular dystrophy due to POMK deficiency. Last evaluated: 2022-02-28. Review status: criteria provided, single submitter. Criteria: Invitae Variant Classification Sherloc (09022015). Collection method: clinical testing. Allele origin: germline.
Comment: This sequence change replaces glutamine, which is neutral and polar, with arginine, which is basic and polar, at codon 109 of the POMK protein (p.Gln109Arg). This variant is present in population databases (rs766606876, gnomAD 0.002%). This variant has not been reported in the literature in individuals affected with POMK-related conditions. ClinVar contains an entry for this variant (Variation ID: 1021659). Algorithms developed to predict the effect of missense changes on protein structure and function output the following: SIFT: "Tolerated"; PolyPhen-2: "Benign"; Align-GVGD: "Class C0". The arginine amino acid residue is found in multiple mammalian species, which suggests that this missense change does not adversely affect protein function. In summary, the available evidence is currently insufficient to determine the role of this variant in disease. Therefore, it has been classified as a Variant of Uncertain Significance.

NM_032237.5(POMK):c.326A>G (p.Gln109Arg)

Gene: POMK (protein O-mannose kinase; plus strand). Cytogenetic location: 8p11.21.
Variant type: single nucleotide variant.
Coding change: c.326A>G on transcript NM_032237.5 (MANE Select); coding-DNA position 326, A replaced by G.
Protein change: p.Gln109Arg; replaces glutamine 109 with arginine.
Molecular consequence: missense variant.
Genome position (GRCh38, 1-based): chr8:43,122,150, A>G. VCF-style: chr8-43122150-A-G. GRCh37 (hg19) VCF-style: chr8-42977293-A-G.
Other names: c.326A>G, p.Gln109Arg (NM_001277971.2); short protein forms Q109R.
Identifiers: ClinVar variation 1021659 (VCV001021659.2), dbSNP rs766606876, ClinGen allele CA176079752.
Genomic context (GRCh38, chr8:43,122,150, plus strand): 5'-CTATGGCTTTGTTGCAGGTCTTTCTGTCTGAGTGGAAGGAGCACAAAGTTGCACTCTCAC[A>G]GCTCACCAGCCTGGAGATGAAAGATGATTTCCTCCATGGACTGCAGATGCTGAAATCTCT-3'
Protein context (NP_115613.1, residues 99-119): EWKEHKVALS[Gln109Arg]LTSLEMKDDF